The following is an entry in ClinVar:

ClinVar aggregate classification (germline): Conflicting classifications of pathogenicity. Review status: criteria provided, conflicting classifications (1 of 4 stars). 2 submissions from 2 submitters: Uncertain significance (1); Likely benign (1). Last evaluated 2023-03-23.

Conditions:
Hereditary cancer-predisposing syndrome. Also called: Tumor predisposition; Hereditary Cancer Syndrome; Neoplastic Syndromes, Hereditary; Hereditary neoplastic syndrome. Identifiers: Orphanet 140162, MedGen C0027672, MeSH D009386, MONDO:0015356.

Allele frequency attached by ClinVar (database versions not stated): gnomAD exomes below 0.00001; TOPMed below 0.00001; ExAC 0.00001.
gnomAD v4.1: 1 of 1,613,800 alleles (0.000062%); highest among the groups gnomAD compares: Non-Finnish European, 0.000085%; no homozygotes.

Submissions (2):

University of Washington Department of Laboratory Medicine, University of Washington
Classification: Likely benign for Hereditary cancer-predisposing syndrome. Last evaluated: 2023-03-23. Review status: criteria provided, single submitter. Criteria: Dines et al. (Genet Med. 2020). Collection method: curation. Allele origin: germline.
Comment: Missense variant in a coldspot region where missense variants are very unlikely to be pathogenic (PMID:31911673).

BRCA1 coldspot (exon 11 using historical exon numbering). Reclassification based on statistical prior probability

Ambry Genetics
Classification: Uncertain significance for Hereditary cancer-predisposing syndrome. Last evaluated: 2022-10-21. Review status: criteria provided, single submitter. Criteria: Ambry Variant Classification Scheme 2023. Collection method: clinical testing. Allele origin: germline.
Comment: The p.V863A variant (also known as c.2588T>C), located in coding exon 9 of the BRCA1 gene, results from a T to C substitution at nucleotide position 2588. The valine at codon 863 is replaced by alanine, an amino acid with similar properties. This amino acid position is not well conserved in available vertebrate species. In addition, this alteration is predicted to be tolerated by in silico analysis. Since supporting evidence is limited at this time, the clinical significance of this alteration remains unclear.

NM_007294.4(BRCA1):c.2588T>C (p.Val863Ala)

Gene: BRCA1 (BRCA1 DNA repair associated; minus strand). Cytogenetic location: 17q21.31.
Variant type: single nucleotide variant.
Coding change: c.2588T>C on transcript NM_007294.4 (MANE Select); coding-DNA position 2588, T replaced by C.
Protein change: p.Val863Ala; replaces valine 863 with alanine.
Molecular consequence: missense variant. On other transcripts: intron variant (137).
Genome position (GRCh38, 1-based): chr17:43,092,943, A>G on the plus strand (T>C on the coding strand, the complement: BRCA1 is on the minus strand). VCF-style: chr17-43092943-A-G. GRCh37 (hg19) VCF-style: chr17-41244960-A-G.
Other names: c.2447T>C, p.Val816Ala (NM_001407734.1, NM_001407736.1, NM_001407735.1 and 29 more transcripts); c.2375T>C, p.Val792Ala (NM_001407571.1, NM_001407853.1, NM_001407894.1 and 9 more transcripts); c.2588T>C, p.Val863Ala (NM_001407581.1, NM_001407582.1, NM_001407583.1 and 30 more transcripts); c.2585T>C, p.Val862Ala (NM_001407587.1, NM_001407590.1, NM_001407591.1 and 22 more transcripts); c.2579T>C, p.Val860Ala (NM_001407646.1, NM_001407647.1); c.2465T>C, p.Val822Ala (NM_001407648.1, NM_001407664.1, NM_001407665.1 and 19 more transcripts); c.2462T>C, p.Val821Ala (NM_001407649.1, NM_001407670.1, NM_001407671.1 and 11 more transcripts); c.2510T>C, p.Val837Ala (NM_001407653.1, NM_001407654.1, NM_001407655.1 and 4 more transcripts); and 41 more; short protein forms V774A, V775A, V792A, V822A, V860A, V862A, V752A, V796A.
Identifiers: ClinVar variation 1793452 (VCV001793452.4), dbSNP rs757440752, ClinGen allele CA058441.